The following is an entry in ClinVar:

NM_001122764.3(PPOX):c.2T>C (p.Met1Thr)

Gene: PPOX (protoporphyrinogen oxidase; plus strand). Cytogenetic location: 1q23.3.
Variant type: single nucleotide variant.
Coding change: c.2T>C on transcript NM_001122764.3 (MANE Select); coding-DNA position 2, T replaced by C.
Protein change: p.Met1Thr; changes the start codon (methionine 1).
Molecular consequence: missense variant, initiator codon variant. On other transcripts: 5 prime UTR variant (5).
Genome position (GRCh38, 1-based): chr1:161,166,849, T>C. VCF-style: chr1-161166849-T-C. GRCh37 (hg19) VCF-style: chr1-161136639-T-C.
Other names: c.2T>C, p.Met1Thr (NM_000309.5, NM_001350128.2, NM_001365398.1 and 1 more transcripts); c.-426T>C (NM_001350129.2); c.-517T>C (NM_001350130.2); c.-403T>C (NM_001350131.2); c.-310T>C (NM_001365400.1); c.-369T>C (NM_001365401.1); short protein forms M1T.
Identifiers: ClinVar variation 655883 (VCV000655883.11), dbSNP rs1571325144, ClinGen allele CA343350285.

ClinVar aggregate classification (germline): Pathogenic (1 of 4 stars; one submission).

Allele frequency attached by ClinVar (database versions not stated): gnomAD exomes below 0.00001.

Submission:

Labcorp Genetics (formerly Invitae), Labcorp
Classification: Pathogenic. Last evaluated: 2023-03-24. Review status: criteria provided, single submitter. Criteria: Invitae Variant Classification Sherloc (09022015). Collection method: clinical testing. Allele origin: germline.
Comment: For these reasons, this variant has been classified as Pathogenic. This variant disrupts the p.Met1 amino acid residue in PPOX. Other variant(s) that disrupt this residue have been observed in individuals with PPOX-related conditions (PMID: 10457135, 10486317, 12859407), which suggests that this may be a clinically significant amino acid residue. ClinVar contains an entry for this variant (Variation ID: 655883). Disruption of the initiator codon has been observed in individual(s) with a PPOX-related condition and variegate porphyria (PMID: 10457135; Invitae). It has also been observed to segregate with disease in related individuals. This variant is not present in population databases (gnomAD no frequency). This sequence change affects the initiator methionine of the PPOX mRNA. The next in-frame methionine is located at codon 163.

Literature cited by the submitters: PubMed 10457135; PubMed 10486317; PubMed 12859407.